The following is an entry in ClinVar:

ClinVar aggregate classification (germline): Uncertain significance. Review status: criteria provided, multiple submitters, no conflicts (2 of 4 stars). 2 submissions from 2 submitters: Uncertain significance (2). Last evaluated 2025-11-19.

Conditions:
SEMA3E-related disorder. Also called: SEMA3E-related condition.
CHARGE syndrome (CHARGE). Also called: Hittner Hirsch Kreh syndrome; Coloboma, heart anomaly, choanal atresia, retardation, genital and ear anomalies; CHARGE association; Hall-Hittner syndrome; CHARGE ASSOCIATION--COLOBOMA, HEART ANOMALY, CHOANAL ATRESIA, RETARDATION, GENITAL AND EAR ANOMALIES. Identifiers: Orphanet 138, MedGen C0265354, MONDO:0008965.

Allele frequency attached by ClinVar (database versions not stated): TOPMed below 0.00001; gnomAD 0.00001; gnomAD exomes 0.00001.
gnomAD v4.1: 12 of 1,611,748 alleles (0.00074%); highest among the groups gnomAD compares: Non-Finnish European, 0.001%; no homozygotes.

Submissions (2):

Labcorp Genetics (formerly Invitae), Labcorp
Classification: Uncertain significance for CHARGE syndrome. Last evaluated: 2025-11-19. Review status: criteria provided, single submitter. Criteria: Invitae Variant Classification Sherloc (09022015). Collection method: clinical testing. Allele origin: germline.
Comment: This sequence change replaces proline, which is neutral and non-polar, with serine, which is neutral and polar, at codon 174 of the SEMA3E protein (p.Pro174Ser). This variant is present in population databases (no rsID available, gnomAD 0.002%). This variant has not been reported in the literature in individuals affected with SEMA3E-related conditions. ClinVar contains an entry for this variant (Variation ID: 579636). Invitae Evidence Modeling of protein sequence and biophysical properties (such as structural, functional, and spatial information, amino acid conservation, physicochemical variation, residue mobility, and thermodynamic stability) indicates that this missense variant is not expected to disrupt SEMA3E protein function with a negative predictive value of 80%. In summary, the available evidence is currently insufficient to determine the role of this variant in disease. Therefore, it has been classified as a Variant of Uncertain Significance.

PreventionGenetics, part of Exact Sciences
Classification: Uncertain significance for SEMA3E-related condition. Last evaluated: 2025-09-23. Review status: criteria provided, single submitter. Criteria: ACMG Guidelines, 2015. Collection method: clinical testing. Allele origin: germline.
Comment: The SEMA3E c.520C>T variant is predicted to result in the amino acid substitution p.Pro174Ser. To our knowledge, this variant has not been reported in the literature. This variant is reported in 0.0018% of alleles in individuals of European (Non-Finnish) descent in gnomAD. At this time, the clinical significance of this variant is uncertain due to the absence of conclusive functional and genetic evidence.

NM_012431.3(SEMA3E):c.520C>T (p.Pro174Ser)

Gene: SEMA3E (semaphorin 3E; minus strand). Cytogenetic location: 7q21.11.
Variant type: single nucleotide variant.
Coding change: c.520C>T on transcript NM_012431.3 (MANE Select); coding-DNA position 520, C replaced by T.
Protein change: p.Pro174Ser; replaces proline 174 with serine.
Molecular consequence: missense variant.
Genome position (GRCh38, 1-based): chr7:83,418,420, G>A on the plus strand (C>T on the coding strand, the complement: SEMA3E is on the minus strand). VCF-style: chr7-83418420-G-A. GRCh37 (hg19) VCF-style: chr7-83047736-G-A.
Other names: c.340C>T, p.Pro114Ser (NM_001178129.2); short protein forms P174S, P114S.
Identifiers: ClinVar variation 579636 (VCV000579636.9), dbSNP rs1441322114, ClinGen allele CA367934185.
Genomic context (GRCh38, chr7:83,418,420, plus strand): 5'-CCACCTGATGTCTGTGGCAATGACAATTACCAATTAAAGTGGAGATGAAGGAGGAGCTGG[G>A]GTCAAAAGGACATCTGCCCCTTCCTCTCTCAGATCTGGGTGATTCCAGGTGAAACAGAGG-3'
Protein context (NP_036563.1, residues 164-184): ERGRGRCPFD[Pro174Ser]SSSFISTLIG